The following is an entry in ClinVar:

NM_015046.7(SETX):c.7710T>A (p.Pro2570=)

Gene: SETX (senataxin; minus strand). Cytogenetic location: 9q34.13.
Variant type: single nucleotide variant.
Coding change: c.7710T>A on transcript NM_015046.7 (MANE Select); coding-DNA position 7710, T replaced by A.
Protein change: p.Pro2570=; no amino-acid change (proline 2570 retained).
Molecular consequence: synonymous variant.
Genome position (GRCh38, 1-based): chr9:132,264,563, A>T on the plus strand (T>A on the coding strand, the complement: SETX is on the minus strand). VCF-style: chr9-132264563-A-T. GRCh37 (hg19) VCF-style: chr9-135139950-A-T.
Other names: c.7710T>A, p.Pro2570= (NM_001351527.2); c.7797T>A, p.Pro2599= (NM_001351528.2).
Identifiers: ClinVar variation 4989937 (VCV004989937.1).

ClinVar aggregate classification (germline): Likely benign (1 of 4 stars; one submission).

Conditions:
SETX-related disorder. Also called: SETX-related disorders; SETX-related condition. Identifiers: MedGen CN239403.

gnomAD v4.1: 3 of 1,613,906 alleles (0.00019%); highest among the groups gnomAD compares: South Asian, 0.0022%; no homozygotes.

Submission:

PreventionGenetics, part of Exact Sciences
Classification: Likely benign for SETX-related condition. Last evaluated: 2025-06-12. Review status: criteria provided, single submitter. Criteria: ACMG Guidelines, 2015. Collection method: clinical testing. Allele origin: germline.
Comment: This variant is classified as likely benign based on ACMG/AMP sequence variant interpretation guidelines (Richards et al. 2015 PMID: 25741868, with internal and published modifications).